The following is an entry in ClinVar:

ClinVar aggregate classification (germline): Uncertain significance (1 of 4 stars; one submission).

Allele frequency attached by ClinVar (database versions not stated): gnomAD 0.00001; TOPMed 0.00001; gnomAD exomes 0.00002 and 0.00004.

Submission:

Labcorp Genetics (formerly Invitae), Labcorp
Classification: Uncertain significance. Last evaluated: 2024-10-23. Review status: criteria provided, single submitter. Criteria: Invitae Variant Classification Sherloc (09022015). Collection method: clinical testing. Allele origin: germline.
Comment: This sequence change replaces glycine, which is neutral and non-polar, with serine, which is neutral and polar, at codon 229 of the LIPC protein (p.Gly229Ser). This variant is present in population databases (no rsID available, gnomAD 0.005%). This missense change has been observed in individual(s) with dyslipidemia (PMID: 32041611). ClinVar contains an entry for this variant (Variation ID: 1348589). Invitae Evidence Modeling of protein sequence and biophysical properties (such as structural, functional, and spatial information, amino acid conservation, physicochemical variation, residue mobility, and thermodynamic stability) has been performed for this missense variant. However, the output from this modeling did not meet the statistical confidence thresholds required to predict the impact of this variant on LIPC protein function. In summary, the available evidence is currently insufficient to determine the role of this variant in disease. Therefore, it has been classified as a Variant of Uncertain Significance.

Literature cited by the submitters: PubMed 32041611.

NM_000236.3(LIPC):c.685G>A (p.Gly229Ser)

Gene: LIPC (lipase C, hepatic type; plus strand). Cytogenetic location: 15q21.3.
Variant type: single nucleotide variant.
Coding change: c.685G>A on transcript NM_000236.3 (MANE Select); coding-DNA position 685, G replaced by A.
Protein change: p.Gly229Ser; replaces glycine 229 with serine.
Molecular consequence: missense variant.
Genome position (GRCh38, 1-based): chr15:58,545,852, G>A. VCF-style: chr15-58545852-G-A. GRCh37 (hg19) VCF-style: chr15-58838051-G-A.
Other names: short protein forms G229S.
Identifiers: ClinVar variation 1348589 (VCV001348589.6), dbSNP rs1454509896, ClinGen allele CA392612534.